The following is an entry in ClinVar:

ClinVar aggregate classification (germline): Uncertain significance (1 of 4 stars; one submission).

Submission:

GeneDx
Classification: Uncertain significance. Last evaluated: 2024-09-18. Review status: criteria provided, single submitter. Criteria: GeneDx Variant Classification Process June 2021. Collection method: clinical testing. Allele origin: germline. Affected: yes.
Comment: Not observed at significant frequency in large population cohorts (gnomAD); In silico analysis supports that this missense variant has a deleterious effect on protein structure/function; Has not been previously published as pathogenic or benign to our knowledge

NM_000540.3(RYR1):c.1828G>T (p.Gly610Cys)

Gene: RYR1 (ryanodine receptor 1; plus strand). Cytogenetic location: 19q13.2.
Variant type: single nucleotide variant.
Coding change: c.1828G>T on transcript NM_000540.3 (MANE Select); coding-DNA position 1828, G replaced by T.
Protein change: p.Gly610Cys; replaces glycine 610 with cysteine.
Molecular consequence: missense variant.
Genome position (GRCh38, 1-based): chr19:38,457,533, G>T. VCF-style: chr19-38457533-G-T. GRCh37 (hg19) VCF-style: chr19-38948173-G-T.
Other names: c.1828G>T, p.Gly610Cys (NM_001042723.2); short protein forms G610C.
Identifiers: ClinVar variation 3773955 (VCV003773955.1).